The following is an entry in ClinVar:

NM_145207.3(AFG2A):c.2081G>A (p.Gly694Glu)

Gene: AFG2A (AAA ATPase AFG2A; plus strand). Cytogenetic location: 4q28.1.
Variant type: single nucleotide variant.
Coding change: c.2081G>A on transcript NM_145207.3 (MANE Select); coding-DNA position 2081, G replaced by A.
Protein change: p.Gly694Glu; replaces glycine 694 with glutamic acid.
Molecular consequence: missense variant.
Genome position (GRCh38, 1-based): chr4:123,056,388, G>A. VCF-style: chr4-123056388-G-A. GRCh37 (hg19) VCF-style: chr4-123977543-G-A.
Other names: c.2078G>A, p.Gly693Glu (NM_001345856.2); short protein forms G694E, G693E.
Identifiers: ClinVar variation 449961 (VCV000449961.32), dbSNP rs141576468, ClinGen allele CA3070633.

ClinVar aggregate classification (germline): Conflicting classifications of pathogenicity. Review status: criteria provided, conflicting classifications (1 of 4 stars). 6 submissions from 6 submitters: Likely pathogenic (3); Uncertain significance (3). Last evaluated 2026-04-01.

Conditions:
Microcephaly-intellectual disability-sensorineural hearing loss-epilepsy-abnormal muscle tone syndrome (NEDHSB). Also called: NEURODEVELOPMENTAL DISORDER WITH HEARING LOSS, SEIZURES, AND BRAIN ABNORMALITIES. Identifiers: Orphanet 457351, MedGen C4225276, MONDO:0014698, OMIM 616577.
SPATA5-related disorder.

Allele frequency attached by ClinVar (database versions not stated): gnomAD exomes 0.00010 and 0.00020; TOPMed 0.00016; ESP Exome Variant Server 0.00038; gnomAD 0.00011 and 0.00013; ExAC 0.00013.
gnomAD v4.1: 309 of 1,611,318 alleles (0.019%); highest among the groups gnomAD compares: Non-Finnish European, 0.025%; no homozygotes.

Submissions (6):

Greenwood Genetic Center Diagnostic Laboratories, Greenwood Genetic Center
Classification: Uncertain significance. Last evaluated: 2026-04-01. Review status: criteria provided, single submitter. Criteria: ACMG Guidelines, 2015. Collection method: clinical testing. Allele origin: germline.
Comment: PM2, PM3_Supporting, PP3

CeGaT Center for Human Genetics Tuebingen
Classification: Likely pathogenic. Last evaluated: 2026-03-01. Review status: criteria provided, single submitter. Criteria: CeGaT Center For Human Genetics Tuebingen Variant Classification Criteria Version 2. Collection method: clinical testing. Allele origin: germline. Affected: yes. Observed: 2 variant alleles.
Comment: AFG2A: PM1, PM2, PM3, PP3

Women's Health and Genetics/Laboratory Corporation of America, LabCorp
Classification: Uncertain significance. Last evaluated: 2025-02-19. Review status: criteria provided, single submitter. Criteria: LabCorp Variant Classification Summary - May 2015. Collection method: clinical testing. Allele origin: germline.
Comment: Variant summary: AFG2A c.2081G>A (p.Gly694Glu) results in a non-conservative amino acid change located in the AAA+ ATPase domain (IPR003593) of the encoded protein sequence. Five of five in-silico tools predict a damaging effect of the variant on protein function. Consensus agreement among computation tools predict no significant impact on normal splicing. However, these predictions have yet to be confirmed by functional studies. The variant allele was found at a frequency of 0.00011 in 280570 control chromosomes (gnomAD). c.2081G>A has been reported in the literature in a compound heterozygous individual affected with epilepsy, hearing Loss, and mental retardation syndrome (Buchert_2016). These data do not allow any conclusion about variant significance. To our knowledge, no experimental evidence demonstrating an impact on protein function has been reported. The following publication have been ascertained in the context of this evaluation (PMID: 27683084). ClinVar contains an entry for this variant (Variation ID: 449961). Based on the evidence outlined above, the variant was classified as uncertain significance.

GeneDx
Classification: Likely pathogenic. Last evaluated: 2024-12-19. Review status: criteria provided, single submitter. Criteria: GeneDx Variant Classification Process June 2021. Collection method: clinical testing. Allele origin: germline. Affected: yes.
Comment: In silico analysis supports that this missense variant has a deleterious effect on protein structure/function; This variant is associated with the following publications: (PMID: 28293831, 27683084, 30577886)

Labcorp Genetics (formerly Invitae), Labcorp
Classification: Uncertain significance for Microcephaly-intellectual disability-sensorineural hearing loss-epilepsy-abnormal muscle tone syndrome. Last evaluated: 2024-12-12. Review status: criteria provided, single submitter. Criteria: Invitae Variant Classification Sherloc (09022015). Collection method: clinical testing. Allele origin: germline.
Comment: This sequence change replaces glycine, which is neutral and non-polar, with glutamic acid, which is acidic and polar, at codon 694 of the SPATA5 protein (p.Gly694Glu). This variant is present in population databases (rs141576468, gnomAD 0.02%). This missense change has been observed in individual(s) with global developmental delay, infantile spasms, profound dystonia, and sensorineural hearing loss (PMID: 27683084). ClinVar contains an entry for this variant (Variation ID: 449961). An algorithm developed to predict the effect of missense changes on protein structure and function (PolyPhen-2) suggests that this variant is likely to be disruptive. In summary, the available evidence is currently insufficient to determine the role of this variant in disease. Therefore, it has been classified as a Variant of Uncertain Significance.

Blueprint Genetics
Classification: Likely pathogenic for SPATA5-related disorders. Last evaluated: 2024-11-25. Review status: criteria provided, single submitter. Criteria: ACMG Guidelines, 2015. Collection method: clinical testing. Allele origin: germline. Affected: yes. Observed: 5 variant alleles.

Literature cited by the submitters: PubMed 27683084 (cited by Women's Health and Genetics/Laboratory Corporation of America, LabCorp and Labcorp Genetics (formerly Invitae), Labcorp).